The following is an entry in ClinVar:

ClinVar aggregate classification (germline): Uncertain significance (1 of 4 stars; one submission).

Conditions:
Combined immunodeficiency due to DOCK8 deficiency (HIES2). Also called: HIES autosomal recessive; DOCK8 Deficiency; HYPER-IgE RECURRENT INFECTION SYNDROME 2, AUTOSOMAL RECESSIVE; Hyper-IgE recurrent infection syndrome, autosomal recessive; HYPER-IgE SYNDROME 2, AUTOSOMAL RECESSIVE, WITH RECURRENT INFECTIONS. Identifiers: Orphanet 217390, MedGen C4722305, MONDO:0009478, OMIM 243700.

Allele frequency attached by ClinVar (database versions not stated): gnomAD exomes below 0.00001; gnomAD 0.00001; TOPMed 0.00002.
gnomAD v4.1: 3 of 1,613,984 alleles (0.00019%); highest among the groups gnomAD compares: Middle Eastern, 0.016%; no homozygotes.

Submission:

Labcorp Genetics (formerly Invitae), Labcorp
Classification: Uncertain significance for Combined immunodeficiency due to DOCK8 deficiency. Last evaluated: 2021-09-01. Review status: criteria provided, single submitter. Criteria: Invitae Variant Classification Sherloc (09022015). Collection method: clinical testing. Allele origin: germline.
Comment: This sequence change replaces arginine with glutamine at codon 1641 of the DOCK8 protein (p.Arg1641Gln). The arginine residue is highly conserved and there is a small physicochemical difference between arginine and glutamine. This variant is not present in population databases (ExAC no frequency). This variant has not been reported in the literature in individuals affected with DOCK8-related conditions. Algorithms developed to predict the effect of missense changes on protein structure and function are either unavailable or do not agree on the potential impact of this missense change (SIFT: "Deleterious"; PolyPhen-2: "Possibly Damaging"; Align-GVGD: "Class C0"). Algorithms developed to predict the effect of sequence changes on RNA splicing suggest that this variant may create or strengthen a splice site. In summary, the available evidence is currently insufficient to determine the role of this variant in disease. Therefore, it has been classified as a Variant of Uncertain Significance.

NM_203447.4(DOCK8):c.4922G>A (p.Arg1641Gln)

Gene: DOCK8 (dedicator of cytokinesis 8; plus strand). Cytogenetic location: 9p24.3.
Variant type: single nucleotide variant.
Coding change: c.4922G>A on transcript NM_203447.4 (MANE Select); coding-DNA position 4922, G replaced by A.
Protein change: p.Arg1641Gln; replaces arginine 1641 with glutamine.
Molecular consequence: missense variant.
Genome position (GRCh38, 1-based): chr9:434,818, G>A. VCF-style: chr9-434818-G-A. GRCh37 (hg19) VCF-style: chr9-434818-G-A.
Other names: c.4622G>A, p.Arg1541Gln (NM_001190458.2); c.4718G>A, p.Arg1573Gln (NM_001193536.2); short protein forms R1641Q, R1541Q, R1573Q.
Identifiers: ClinVar variation 570098 (VCV000570098.8), dbSNP rs1564065424, ClinGen allele CA372767252.